The following is an entry in ClinVar:

ClinVar aggregate classification (germline): Uncertain significance (1 of 4 stars; one submission).

Conditions:
Neonatal-onset encephalopathy with rigidity and seizures. Also called: Lethal neonatal spasticity-epileptic encephalopathy syndrome. Identifiers: Orphanet 435845, MedGen C3281029, MONDO:0013784, OMIM 614498.

Allele frequency attached by ClinVar (database versions not stated): TOPMed 0.00001.
gnomAD v4.1: 20 of 1,612,864 alleles (0.0012%); highest among the groups gnomAD compares: South Asian, 0.0033%; no homozygotes.

Submission:

Labcorp Genetics (formerly Invitae), Labcorp
Classification: Uncertain significance for Neonatal-onset encephalopathy with rigidity and seizures. Last evaluated: 2022-07-19. Review status: criteria provided, single submitter. Criteria: Invitae Variant Classification Sherloc (09022015). Collection method: clinical testing. Allele origin: germline.
Comment: This sequence change replaces proline, which is neutral and non-polar, with leucine, which is neutral and non-polar, at codon 187 of the BRAT1 protein (p.Pro187Leu). This variant is present in population databases (no rsID available, gnomAD 0.006%). This variant has not been reported in the literature in individuals affected with BRAT1-related conditions. ClinVar contains an entry for this variant (Variation ID: 848825). Algorithms developed to predict the effect of missense changes on protein structure and function output the following: SIFT: "Tolerated"; PolyPhen-2: "Benign"; Align-GVGD: "Class C0". The leucine amino acid residue is found in multiple mammalian species, which suggests that this missense change does not adversely affect protein function. In summary, the available evidence is currently insufficient to determine the role of this variant in disease. Therefore, it has been classified as a Variant of Uncertain Significance.

NM_152743.4(BRAT1):c.560C>T (p.Pro187Leu)

Gene: BRAT1 (BRCA1 associated ATM activator 1; minus strand). Cytogenetic location: 7p22.3.
Variant type: single nucleotide variant.
Coding change: c.560C>T on transcript NM_152743.4 (MANE Select); coding-DNA position 560, C replaced by T.
Protein change: p.Pro187Leu; replaces proline 187 with leucine.
Molecular consequence: missense variant. On other transcripts: non-coding transcript variant (1).
Genome position (GRCh38, 1-based): chr7:2,543,833, G>A on the plus strand (C>T on the coding strand, the complement: BRAT1 is on the minus strand). VCF-style: chr7-2543833-G-A. GRCh37 (hg19) VCF-style: chr7-2583467-G-A.
Other names: c.560C>T, p.Pro187Leu (NM_001350626.2); c.35C>T, p.Pro12Leu (NM_001350627.2); short protein forms P187L, P12L.
Identifiers: ClinVar variation 848825 (VCV000848825.7), dbSNP rs551655837, ClinGen allele CA366632241.